The following is an entry in ClinVar:

ClinVar aggregate classification (germline): Uncertain significance (1 of 4 stars; one submission).

Conditions:
Severe combined immunodeficiency due to DNA-PKcs deficiency. Also called: IMMUNODEFICIENCY 26 WITH NEUROLOGIC ABNORMALITIES; Immunodeficiency 26 with or without neurologic abnormalities. Identifiers: Orphanet 317425, MedGen C4014833, MONDO:0014423, OMIM 615966.

Allele frequency attached by ClinVar (database versions not stated): TOPMed 0.00001; gnomAD 0.00002.
gnomAD v4.1: 48 of 1,613,560 alleles (0.003%); highest among the groups gnomAD compares: South Asian, 0.047%; no homozygotes.

Submission:

Labcorp Genetics (formerly Invitae), Labcorp
Classification: Uncertain significance for Severe combined immunodeficiency due to DNA-PKcs deficiency. Last evaluated: 2022-04-11. Review status: criteria provided, single submitter. Criteria: Invitae Variant Classification Sherloc (09022015). Collection method: clinical testing. Allele origin: germline.
Comment: This sequence change replaces methionine, which is neutral and non-polar, with leucine, which is neutral and non-polar, at codon 2085 of the PRKDC protein (p.Met2085Leu). This variant is present in population databases (rs746972391, gnomAD 0.06%). This variant has not been reported in the literature in individuals affected with PRKDC-related conditions. Experimental studies and prediction algorithms are not available or were not evaluated, and the functional significance of this variant is currently unknown. In summary, the available evidence is currently insufficient to determine the role of this variant in disease. Therefore, it has been classified as a Variant of Uncertain Significance.

NM_006904.7(PRKDC):c.6253A>T (p.Met2085Leu)

Gene: PRKDC (protein kinase, DNA-activated, catalytic subunit; minus strand). Cytogenetic location: 8q11.21.
Variant type: single nucleotide variant.
Coding change: c.6253A>T on transcript NM_006904.7 (MANE Select); coding-DNA position 6253, A replaced by T.
Protein change: p.Met2085Leu; replaces methionine 2085 with leucine.
Molecular consequence: missense variant.
Genome position (GRCh38, 1-based): chr8:47,858,941, T>A on the plus strand (A>T on the coding strand, the complement: PRKDC is on the minus strand). VCF-style: chr8-47858941-T-A. GRCh37 (hg19) VCF-style: chr8-48771502-T-A.
Other names: c.6253A>T, p.Met2085Leu (NM_001081640.2); short protein forms M2085L.
Identifiers: ClinVar variation 1402569 (VCV001402569.3), dbSNP rs746972391, ClinGen allele CA4740411.